The following is an entry in ClinVar:

NM_032575.3(GLIS2):c.1111C>A (p.Pro371Thr)

Gene: GLIS2 (GLIS family zinc finger 2; plus strand). Cytogenetic location: 16p13.3.
Variant type: single nucleotide variant.
Coding change: c.1111C>A on transcript NM_032575.3 (MANE Select); coding-DNA position 1111, C replaced by A.
Protein change: p.Pro371Thr; replaces proline 371 with threonine.
Molecular consequence: missense variant.
Genome position (GRCh38, 1-based): chr16:4,337,060, C>A. VCF-style: chr16-4337060-C-A. GRCh37 (hg19) VCF-style: chr16-4387061-C-A.
Other names: c.1111C>A, p.Pro371Thr (NM_001318918.2); c.1111C>A (NM_032575.2); short protein forms P371T.
Identifiers: ClinVar variation 1946694 (VCV001946694.7), dbSNP rs753957878, ClinGen allele CA7873198.

ClinVar aggregate classification (germline): Uncertain significance. Review status: criteria provided, multiple submitters, no conflicts (2 of 4 stars). 3 submissions from 3 submitters: Uncertain significance (3). Last evaluated 2024-10-25.

Conditions:
Nephronophthisis. Also called: Juvenile Nephronophthisis. Identifiers: Orphanet 655, MedGen C0687120, MONDO:0019005, HP:0000090.
Nephronophthisis 7 (NPHP7). Identifiers: Orphanet 655, MedGen C1969092, MONDO:0012680, OMIM 611498.

Allele frequency attached by ClinVar (database versions not stated): ExAC 0.00014.

Submissions (3):

Ambry Genetics
Classification: Uncertain significance. Last evaluated: 2024-10-25. Review status: criteria provided, single submitter. Criteria: Ambry Variant Classification Scheme 2023. Collection method: clinical testing. Allele origin: germline.

Fulgent Genetics
Classification: Uncertain significance for Nephronophthisis 7. Last evaluated: 2024-05-02. Review status: criteria provided, single submitter. Criteria: ACMG Guidelines, 2015. Collection method: clinical testing. Allele origin: germline.

Labcorp Genetics (formerly Invitae), Labcorp
Classification: Uncertain significance for Nephronophthisis. Last evaluated: 2022-08-21. Review status: criteria provided, single submitter. Criteria: Invitae Variant Classification Sherloc (09022015). Collection method: clinical testing. Allele origin: germline.
Comment: In summary, the available evidence is currently insufficient to determine the role of this variant in disease. Therefore, it has been classified as a Variant of Uncertain Significance. Algorithms developed to predict the effect of missense changes on protein structure and function are either unavailable or do not agree on the potential impact of this missense change (SIFT: "Deleterious"; PolyPhen-2: "Not Available"; Align-GVGD: "Class C35"). This variant has not been reported in the literature in individuals affected with GLIS2-related conditions. This variant is present in population databases (rs753957878, gnomAD 0.06%). This sequence change replaces proline, which is neutral and non-polar, with threonine, which is neutral and polar, at codon 371 of the GLIS2 protein (p.Pro371Thr).